The following is an entry in ClinVar:

NM_000535.7(PMS2):c.538-29_538-18del

Gene: PMS2 (PMS1 homolog 2, mismatch repair system component; minus strand). Cytogenetic location: 7p22.1.
Variant type: Deletion.
Coding change: c.538-29_538-18del on transcript NM_000535.7 (MANE Select); 29 bases into the intron before coding-DNA position 538 through 18 bases into the intron before coding-DNA position 538, 12 bases deleted (AGAATATTGTGT).
Molecular consequence: intron variant.
Genome position (GRCh38, 1-based): chr7:5,999,293-5,999,304, ACACAATATTCT deleted on the plus strand (AGAATATTGTGT on the coding strand, the reverse complement: PMS2 is on the minus strand); deleting any 12 consecutive bases within chr7:5,999,293-5,999,307 gives the same sequence; the c. name uses the placement nearest the transcript's 3' end. VCF-style (leftmost placement, unchanged base first): chr7-5999292-AACACAATATTCT-A. GRCh37 (hg19) VCF-style: chr7-6038923-AACACAATATTCT-A.
Other names: c.220-29_220-18del (NM_001406902.1, NM_001406883.1, NM_001406901.1 and 4 more transcripts); c.133-29_133-18del (NM_001406904.1, NM_001406889.1, NM_001406905.1 and 21 more transcripts); c.133-1881_133-1870del (NM_001322013.2, NM_001406909.1); c.-347-78_-347-67del (NM_001322012.2, NM_001322011.2); c.229-29_229-18del (NM_001322015.2, NM_001406900.1, NM_001406880.1 and 6 more transcripts); c.251-78_251-67del (NM_001406885.1); c.537+3149_537+3160del (NM_001406886.1); c.538-1881_538-1870del (NM_001406884.1, NM_001406874.1); and 4 more.
Identifiers: ClinVar variation 3904452 (VCV003904452.1).

ClinVar aggregate classification (germline): Benign (1 of 4 stars; one submission).

Conditions:
Lynch syndrome 4 (LYNCH4). Also called: Colorectal cancer, hereditary nonpolyposis, type 4; Hereditary non-polyposis colorectal cancer, type 4. Identifiers: Orphanet 144, MedGen C1838333, MONDO:0013699, OMIM 614337. Disease mechanism: loss of function.

Submission:

Myriad Genetics, Inc.
Classification: Benign for Lynch syndrome 4. Last evaluated: 2025-01-27. Review status: criteria provided, single submitter. Criteria: Myriad Autosomal Dominant, Autosomal Recessive and X-Linked Classification Criteria (2023). Collection method: clinical testing. Allele origin: unknown.
Comment: This variant is considered benign. This variant is intronic and is not expected to impact mRNA splicing.